The following is an entry in ClinVar:

NM_001256789.3(CACNA1F):c.273G>C (p.Trp91Cys)

Gene: CACNA1F (calcium voltage-gated channel subunit alpha1 F; minus strand). Cytogenetic location: Xp11.23.
Variant type: single nucleotide variant.
Coding change: c.273G>C on transcript NM_001256789.3 (MANE Select); coding-DNA position 273, G replaced by C.
Protein change: p.Trp91Cys; replaces tryptophan 91 with cysteine.
Molecular consequence: missense variant.
Genome position (GRCh38, 1-based): chrX:49,231,680, C>G on the plus strand (G>C on the coding strand, the complement: CACNA1F is on the minus strand). VCF-style: chrX-49231680-C-G. GRCh37 (hg19) VCF-style: chrX-49088142-C-G.
Other names: c.78G>C, p.Trp26Cys (NM_001256790.3); c.273G>C, p.Trp91Cys (NM_005183.4); c.273G>C (NM_005183.3); short protein forms W91C, W26C.
Identifiers: ClinVar variation 1900447 (VCV001900447.31), dbSNP rs781960727, ClinGen allele CA10411109.

ClinVar aggregate classification (germline): Likely benign. Review status: criteria provided, multiple submitters, no conflicts (2 of 4 stars). 4 submissions from 4 submitters: Likely benign (4). Last evaluated 2026-09-09.

Conditions:
CACNA1F-related disorder. Also called: CACNA1F-related condition.

Allele frequency attached by ClinVar (database versions not stated): TOPMed 0.00001; gnomAD 0.00002; gnomAD exomes 0.00011; 1000 Genomes Project 30x 0.00021; ExAC 0.00024; 1000 Genomes Project 0.00026.
gnomAD v4.1: 123 of 1,210,439 alleles (0.01%); highest among the groups gnomAD compares: South Asian, 0.21%; no homozygotes.

Submissions (4):

PreventionGenetics, part of Exact Sciences
Classification: Likely benign for CACNA1F-related condition. Last evaluated: 2026-09-09. Review status: criteria provided, single submitter. Criteria: ACMG Guidelines, 2015. Collection method: clinical testing. Allele origin: germline.
Comment: This variant is classified as likely benign based on ACMG/AMP sequence variant interpretation guidelines (Richards et al. 2015 PMID: 25741868, with internal and published modifications).

Labcorp Genetics (formerly Invitae), Labcorp
Classification: Likely benign. Last evaluated: 2023-12-21. Review status: criteria provided, single submitter. Criteria: Invitae Variant Classification Sherloc (09022015). Collection method: clinical testing. Allele origin: germline.

Blueprint Genetics
Classification: Likely benign. Last evaluated: 2023-09-07. Review status: criteria provided, single submitter. Criteria: ACMG Guidelines, 2015. Collection method: clinical testing. Allele origin: germline.

CeGaT Center for Human Genetics Tuebingen
Classification: Likely benign. Last evaluated: 2022-12-01. Review status: criteria provided, single submitter. Criteria: CeGaT Center For Human Genetics Tuebingen Variant Classification Criteria Version 2. Collection method: clinical testing. Allele origin: germline. Affected: yes. Observed: 1 variant allele.
Comment: CACNA1F: PP3, BS2